The following is an entry in ClinVar:

ClinVar aggregate classification (germline): Uncertain significance (1 of 4 stars; one submission).

Conditions:
Severe early-onset pulmonary alveolar proteinosis due to MARS deficiency. Also called: PULMONARY ALVEOLAR PROTEINOSIS, REUNION ISLAND; Interstitial lung and liver disease. Identifiers: Orphanet 440427, MedGen C4225400, MONDO:0014206, OMIM 615486.
Charcot-Marie-Tooth disease axonal type 2U. Also called: CHARCOT-MARIE-TOOTH NEUROPATHY, TYPE 2U; CHARCOT-MARIE-TOOTH DISEASE, AXONAL, AUTOSOMAL DOMINANT, TYPE 2U. Identifiers: Orphanet 397735, MedGen C4084821, MONDO:0014566, OMIM 616280.

Submission:

Labcorp Genetics (formerly Invitae), Labcorp
Classification: Uncertain significance for Charcot-Marie-Tooth disease axonal type 2U; Severe early-onset pulmonary alveolar proteinosis due to MARS deficiency. Last evaluated: 2022-11-12. Review status: criteria provided, single submitter. Criteria: Invitae Variant Classification Sherloc (09022015). Collection method: clinical testing. Allele origin: germline.
Comment: This variant is not present in population databases (gnomAD no frequency). This variant has not been reported in the literature in individuals affected with MARS-related conditions. ClinVar contains an entry for this variant (Variation ID: 1681766). This sequence change replaces phenylalanine, which is neutral and non-polar, with cysteine, which is neutral and slightly polar, at codon 660 of the MARS protein (p.Phe660Cys). Algorithms developed to predict the effect of missense changes on protein structure and function are either unavailable or do not agree on the potential impact of this missense change (SIFT: "Deleterious"; PolyPhen-2: "Probably Damaging"; Align-GVGD: "Class C0"). In summary, the available evidence is currently insufficient to determine the role of this variant in disease. Therefore, it has been classified as a Variant of Uncertain Significance.

NM_004990.4(MARS1):c.1979T>G (p.Phe660Cys)

Gene: MARS1 (methionyl-tRNA synthetase 1; plus strand). Cytogenetic location: 12q13.3.
Variant type: single nucleotide variant.
Coding change: c.1979T>G on transcript NM_004990.4 (MANE Select); coding-DNA position 1979, T replaced by G.
Protein change: p.Phe660Cys; replaces phenylalanine 660 with cysteine.
Molecular consequence: missense variant.
Genome position (GRCh38, 1-based): chr12:57,514,731, T>G. VCF-style: chr12-57514731-T-G. GRCh37 (hg19) VCF-style: chr12-57908514-T-G.
Other names: short protein forms F660C.
Identifiers: ClinVar variation 1681766 (VCV001681766.8), dbSNP rs2140036938, ClinGen allele CA385464344.
Genomic context (GRCh38, chr12:57,514,731, plus strand): 5'-AATAACTTCCCCTCTTTTTTCCACTTCTGCTTTCCTACTCCCAACCAAGAGCTGGGATGT[T>G]TGTGTCTAAGTTCTTTGGGGGCTATGTGCCTGAGATGGTGCTCACCCCTGATGATCAGCG-3'
Protein context (NP_004981.2, residues 650-670): LGNFINRAGM[Phe660Cys]VSKFFGGYVP